The following is an entry in ClinVar:

ClinVar aggregate classification (germline): Uncertain significance (1 of 4 stars; one submission).

Conditions:
Smith-Lemli-Opitz syndrome (SLOS). Also called: 7-Dehydrocholesterol reductase deficiency; LETHAL ACRODYSGENITAL SYNDROME; POLYDACTYLY, SEX REVERSAL, RENAL HYPOPLASIA, AND UNILOBAR LUNG; RSH SYNDROME; RUTLEDGE LETHAL MULTIPLE CONGENITAL ANOMALY SYNDROME. Identifiers: Orphanet 818, MedGen C0175694, MONDO:0010035, OMIM 270400.

Allele frequency attached by ClinVar (database versions not stated): TOPMed 0.00002; ExAC 0.00004; gnomAD 0.00004; gnomAD exomes 0.00005; ESP Exome Variant Server 0.00008.
gnomAD v4.1: 75 of 1,612,646 alleles (0.0047%); highest among the groups gnomAD compares: Admixed American, 0.0083%; no homozygotes.

Submission:

Illumina Laboratory Services, Illumina
Classification: Uncertain significance for Smith-Lemli-Opitz syndrome. Last evaluated: 2017-04-27. Review status: criteria provided, single submitter. Criteria: ICSL Variant Classification Criteria 13 December 2019. Collection method: clinical testing. Allele origin: germline.
Comment: This variant was observed as part of a predisposition screen in an ostensibly healthy population. A literature search was performed for the gene, cDNA change, and amino acid change (where applicable). Publications were found based on this search. However, the evidence from the literature, in combination with allele frequency data from public databases where available, was not sufficient to rule this variant in or out of causing disease. Therefore, this variant is classified as a variant of unknown significance.

Literature cited by the submitters: PubMed 24813812.

NM_001360.3(DHCR7):c.1156G>A (p.Asp386Asn)

Gene: DHCR7 (7-dehydrocholesterol reductase; minus strand). Cytogenetic location: 11q13.4.
Variant type: single nucleotide variant.
Coding change: c.1156G>A on transcript NM_001360.3 (MANE Select); coding-DNA position 1156, G replaced by A.
Protein change: p.Asp386Asn; replaces aspartic acid 386 with asparagine.
Molecular consequence: missense variant.
Genome position (GRCh38, 1-based): chr11:71,435,647, C>T on the plus strand (G>A on the coding strand, the complement: DHCR7 is on the minus strand). VCF-style: chr11-71435647-C-T. GRCh37 (hg19) VCF-style: chr11-71146693-C-T.
Other names: c.1156G>A, p.Asp386Asn (NM_001163817.2); short protein forms D386N.
Identifiers: ClinVar variation 882797 (VCV000882797.4), dbSNP rs369837196, ClinGen allele CA6162297.